The following is an entry in ClinVar:

ClinVar aggregate classification (germline): Uncertain significance (1 of 4 stars; one submission).

Allele frequency attached by ClinVar (database versions not stated): gnomAD 0.00001; TOPMed 0.00001.

Submission:

Labcorp Genetics (formerly Invitae), Labcorp
Classification: Uncertain significance. Last evaluated: 2022-11-01. Review status: criteria provided, single submitter. Criteria: Invitae Variant Classification Sherloc (09022015). Collection method: clinical testing. Allele origin: germline.
Comment: In summary, the available evidence is currently insufficient to determine the role of this variant in disease. Therefore, it has been classified as a Variant of Uncertain Significance. Advanced modeling of protein sequence and biophysical properties (such as structural, functional, and spatial information, amino acid conservation, physicochemical variation, residue mobility, and thermodynamic stability) performed at Invitae indicates that this missense variant is not expected to disrupt GLYCTK protein function. ClinVar contains an entry for this variant (Variation ID: 1397340). This variant has not been reported in the literature in individuals affected with GLYCTK-related conditions. This variant is present in population databases (rs767085193, gnomAD 0.006%). This sequence change replaces leucine, which is neutral and non-polar, with glutamine, which is neutral and polar, at codon 77 of the GLYCTK protein (p.Leu77Gln).

NM_145262.4(GLYCTK):c.230T>A (p.Leu77Gln)

Gene: GLYCTK (glycerate kinase; plus strand). Cytogenetic location: 3p21.2.
Variant type: single nucleotide variant.
Coding change: c.230T>A on transcript NM_145262.4 (MANE Select); coding-DNA position 230, T replaced by A.
Protein change: p.Leu77Gln; replaces leucine 77 with glutamine.
Molecular consequence: missense variant. On other transcripts: non-coding transcript variant (3).
Genome position (GRCh38, 1-based): chr3:52,290,572, T>A. VCF-style: chr3-52290572-T-A. GRCh37 (hg19) VCF-style: chr3-52324588-T-A.
Other names: c.230T>A, p.Leu77Gln (NM_001144951.2); short protein forms L77Q.
Identifiers: ClinVar variation 1397340 (VCV001397340.6), dbSNP rs767085193, ClinGen allele CA2432013.